The following is an entry in ClinVar:

ClinVar aggregate classification (germline): Pathogenic (1 of 4 stars; one submission).

Conditions:
Leber congenital amaurosis 3 (LCA3). Also called: SPATA7-Related Retinitis Pigmentosa. Identifiers: MedGen C1858677, MONDO:0011415, OMIM 604232.

Submission:

Labcorp Genetics (formerly Invitae), Labcorp
Classification: Pathogenic for Leber congenital amaurosis 3. Last evaluated: 2020-10-25. Review status: criteria provided, single submitter. Criteria: Invitae Variant Classification Sherloc (09022015). Collection method: clinical testing. Allele origin: germline.
Comment: A gross deletion of the genomic region encompassing the full coding sequence of the SPATA7 gene has been identified. The boundaries of this event are unknown as the deletion extends beyond the assayed region for this gene and therefore may encompass additional genes. This variant has not been reported in the literature in individuals with SPATA7-related conditions. Loss-of-function variants in SPATA7 are known to be pathogenic (PMID: 19268277, 22334370, 23847139, 26047050, 26261414). For these reasons, this variant has been classified as Pathogenic.

Literature cited by the submitters: PubMed 19268277; PubMed 22334370; PubMed 23847139; PubMed 26047050; PubMed 26261414.

NC_000014.8:g.(?_88852143)_(88904786_?)del

Gene: SPATA7 (spermatogenesis associated 7; plus strand). Cytogenetic location: 14q31.3.
Variant type: Deletion.
Identifiers: ClinVar variation 1071024 (VCV001071024.1).